The following is an entry in ClinVar:

ClinVar aggregate classification (germline): Uncertain significance (1 of 4 stars; one submission).

Allele frequency attached by ClinVar (database versions not stated): gnomAD exomes below 0.00001 and 0.00001; TOPMed 0.00001.
gnomAD v4.1: 3 of 1,613,860 alleles (0.00019%); highest among the groups gnomAD compares: Admixed American, 0.0033%; no homozygotes.

Submission:

Labcorp Genetics (formerly Invitae), Labcorp
Classification: Uncertain significance. Last evaluated: 2020-07-22. Review status: criteria provided, single submitter. Criteria: Invitae Variant Classification Sherloc (09022015). Collection method: clinical testing. Allele origin: germline.
Comment: This sequence change falls in intron 5 of the GNAT2 gene. It does not directly change the encoded amino acid sequence of the GNAT2 protein, but it affects a nucleotide within the consensus splice site of the intron. This variant is not present in population databases (ExAC no frequency). This variant has not been reported in the literature in individuals with GNAT2-related conditions. Nucleotide substitutions within the consensus splice site are a relatively common cause of aberrant splicing (PMID: 17576681, 9536098). Algorithms developed to predict the effect of sequence changes on RNA splicing suggest that this variant may disrupt the consensus splice site, but this prediction has not been confirmed by published transcriptional studies. In summary, the available evidence is currently insufficient to determine the role of this variant in disease. Therefore, it has been classified as a Variant of Uncertain Significance.

Literature cited by the submitters: PubMed 17576681; PubMed 9536098.

NM_001377295.2(GNAT2):c.590+5G>A

Gene: GNAT2 (G protein subunit alpha transducin 2; minus strand). Cytogenetic location: 1p13.3.
Variant type: single nucleotide variant.
Coding change: c.590+5G>A on transcript NM_001377295.2 (MANE Select); 5 bases into the intron after coding-DNA position 590, G replaced by A.
Molecular consequence: intron variant.
Genome position (GRCh38, 1-based): chr1:109,606,303, C>T on the plus strand (G>A on the coding strand, the complement: GNAT2 is on the minus strand). VCF-style: chr1-109606303-C-T. GRCh37 (hg19) VCF-style: chr1-110148925-C-T.
Other names: c.590+5G>A (NM_001379232.1, NM_005272.5).
Identifiers: ClinVar variation 1047730 (VCV001047730.5), dbSNP rs1488296684, ClinGen allele CA525626413.
Genomic context (GRCh38, chr1:109,606,303, plus strand): 5'-TGCCTGTGCCCCTTTTCAGGATTCCACACGTGTATCCGAGATGCCCTAGGGAACCATGCA[C>T]TTACCTGAAATTCAAGTCTTTGACGGAAAACTTGGTTTCAATGATGCCCGTGGTTTTGAC-3'